The following is an entry in ClinVar:

ClinVar aggregate classification (germline): Uncertain significance (1 of 4 stars; one submission).

Allele frequency attached by ClinVar (database versions not stated): gnomAD exomes below 0.00001; TOPMed below 0.00001.

Submission:

Labcorp Genetics (formerly Invitae), Labcorp
Classification: Uncertain significance. Last evaluated: 2022-07-13. Review status: criteria provided, single submitter. Criteria: Invitae Variant Classification Sherloc (09022015). Collection method: clinical testing. Allele origin: germline.
Comment: Algorithms developed to predict the effect of missense changes on protein structure and function are either unavailable or do not agree on the potential impact of this missense change (SIFT: "Tolerated"; PolyPhen-2: "Possibly Damaging"; Align-GVGD: "Class C0"). This sequence change replaces tryptophan, which is neutral and slightly polar, with cysteine, which is neutral and slightly polar, at codon 93 of the CFAP410 protein (p.Trp93Cys). This variant is not present in population databases (gnomAD no frequency). This variant has not been reported in the literature in individuals affected with CFAP410-related conditions. In summary, the available evidence is currently insufficient to determine the role of this variant in disease. Therefore, it has been classified as a Variant of Uncertain Significance.

NM_004928.3(CFAP410):c.279G>T (p.Trp93Cys)

Gene: CFAP410 (cilia and flagella associated protein 410; minus strand). Cytogenetic location: 21q22.3.
Variant type: single nucleotide variant.
Coding change: c.279G>T on transcript NM_004928.3 (MANE Select); coding-DNA position 279, G replaced by T.
Protein change: p.Trp93Cys; replaces tryptophan 93 with cysteine.
Molecular consequence: missense variant.
Genome position (GRCh38, 1-based): chr21:44,333,127, C>A on the plus strand (G>T on the coding strand, the complement: CFAP410 is on the minus strand). VCF-style: chr21-44333127-C-A. GRCh37 (hg19) VCF-style: chr21-45753010-C-A.
Other names: c.279G>T, p.Trp93Cys (NM_001271440.2, NM_001271441.2); c.156G>T, p.Trp52Cys (NM_001271442.1); short protein forms W52C, W93C.
Identifiers: ClinVar variation 2004927 (VCV002004927.4), dbSNP rs2047683418, ClinGen allele CA410456739.